The following is an entry in ClinVar:

NM_000245.4(MET):c.3158T>C (p.Ile1053Thr)

Gene: MET (MET proto-oncogene, receptor tyrosine kinase; plus strand). Cytogenetic location: 7q31.2.
Variant type: single nucleotide variant.
Coding change: c.3158T>C on transcript NM_000245.4 (MANE Select); coding-DNA position 3158, T replaced by C.
Protein change: p.Ile1053Thr; replaces isoleucine 1053 with threonine.
Molecular consequence: missense variant.
Genome position (GRCh38, 1-based): chr7:116,775,010, T>C. VCF-style: chr7-116775010-T-C. GRCh37 (hg19) VCF-style: chr7-116415064-T-C.
Other names: c.3212T>C, p.Ile1071Thr (NM_001127500.3); c.1868T>C, p.Ile623Thr (NM_001324402.2); short protein forms I1053T, I623T, I1071T.
Identifiers: ClinVar variation 1728961 (VCV001728961.7), dbSNP rs45571834, ClinGen allele CA164907005.

ClinVar aggregate classification (germline): Uncertain significance. Review status: criteria provided, multiple submitters, no conflicts (2 of 4 stars). 2 submissions from 2 submitters: Uncertain significance (2). Last evaluated 2022-04-21.

Conditions:
Renal cell carcinoma. Identifiers: Orphanet 217071, MedGen C0007134, MeSH D002292, MONDO:0005086, HP:0005584.
Hereditary cancer-predisposing syndrome. Also called: Tumor predisposition; Neoplastic Syndromes, Hereditary; Hereditary Cancer Syndrome; Hereditary neoplastic syndrome. Identifiers: Orphanet 140162, MedGen C0027672, MeSH D009386, MONDO:0015356.

Allele frequency attached by ClinVar (database versions not stated): TOPMed 0.00001.

Submissions (2):

Labcorp Genetics (formerly Invitae), Labcorp
Classification: Uncertain significance for Renal cell carcinoma. Last evaluated: 2022-04-21. Review status: criteria provided, single submitter. Criteria: Invitae Variant Classification Sherloc (09022015). Collection method: clinical testing. Allele origin: germline.
Comment: In summary, the available evidence is currently insufficient to determine the role of this variant in disease. Therefore, it has been classified as a Variant of Uncertain Significance. Algorithms developed to predict the effect of missense changes on protein structure and function are either unavailable or do not agree on the potential impact of this missense change (SIFT: "Deleterious"; PolyPhen-2: "Probably Damaging"; Align-GVGD: "Class C0"). This variant has not been reported in the literature in individuals affected with MET-related conditions. This variant is not present in population databases (gnomAD no frequency). This sequence change replaces isoleucine, which is neutral and non-polar, with threonine, which is neutral and polar, at codon 1071 of the MET protein (p.Ile1071Thr).

Ambry Genetics
Classification: Uncertain significance for Hereditary cancer-predisposing syndrome. Last evaluated: 2021-03-23. Review status: criteria provided, single submitter. Criteria: Ambry Variant Classification Scheme 2023. Collection method: clinical testing. Allele origin: germline.
Comment: The p.I1071T variant (also known as c.3212T>C), located in coding exon 14 of the MET gene, results from a T to C substitution at nucleotide position 3212. The isoleucine at codon 1071 is replaced by threonine, an amino acid with similar properties. This amino acid position is highly conserved in available vertebrate species. In addition, this alteration is predicted to be deleterious by in silico analysis. Since supporting evidence is limited at this time, the clinical significance of this alteration remains unclear.